The following is an entry in ClinVar:

NM_002471.4(MYH6):c.1581+10del

Gene: MYH6 (myosin heavy chain 6; minus strand). Cytogenetic location: 14q11.2.
Variant type: Deletion.
Coding change: c.1581+10del on transcript NM_002471.4 (MANE Select); 10 bases into the intron after coding-DNA position 1581, one base deleted (T; older notation c.1581+10delT).
Molecular consequence: intron variant.
Genome position (GRCh38, 1-based): chr14:23,400,246, A deleted on the plus strand (T on the coding strand, the reverse complement: MYH6 is on the minus strand); the first of 2 consecutive A bases (chr14:23,400,246-23,400,247); deleting either gives the same sequence. VCF-style (leftmost placement, unchanged base first): chr14-23400245-CA-C. GRCh37 (hg19) VCF-style: chr14-23869454-CA-C.
Other names: c.1581+10delT (NM_002471.3, NM_002471.4).
Identifiers: ClinVar variation 422646 (VCV000422646.15), dbSNP rs560271582, ClinGen allele CA7115776.

ClinVar aggregate classification (germline): Benign/Likely benign. Review status: criteria provided, multiple submitters, no conflicts (2 of 4 stars). 5 submissions from 5 submitters: Benign (1); Likely benign (3). 1 of the submissions does not count toward it. Last evaluated 2025-12-01.

Conditions:
Hypertrophic cardiomyopathy 14. Identifiers: MedGen C2750467, MONDO:0013197, OMIM 613251.
MYH6-related disorder. Also called: MYH6-Related Disorders; MYH6-related condition.

Submissions (5):

Labcorp Genetics (formerly Invitae), Labcorp
Classification: Likely benign for Hypertrophic cardiomyopathy 14. Last evaluated: 2025-12-01. Review status: criteria provided, single submitter. Criteria: Invitae Variant Classification Sherloc (09022015). Collection method: clinical testing. Allele origin: germline.

Women's Health and Genetics/Laboratory Corporation of America, LabCorp
Classification: Benign. Last evaluated: 2025-02-10. Review status: criteria provided, single submitter. Criteria: LabCorp Variant Classification Summary - May 2015. Collection method: clinical testing. Allele origin: germline.

Blueprint Genetics
Classification: Likely benign. Last evaluated: 2024-06-25. Review status: criteria provided, single submitter. Criteria: ACMG Guidelines, 2015. Collection method: clinical testing. Allele origin: germline.

GeneDx
Classification: Likely benign. Last evaluated: 2016-11-03. Review status: criteria provided, single submitter. Criteria: GeneDx Variant Classification (06012015). Collection method: clinical testing. Allele origin: germline. Affected: yes.
Comment: This variant is considered likely benign or benign based on one or more of the following criteria: it is a conservative change, it occurs at a poorly conserved position in the protein, it is predicted to be benign by multiple in silico algorithms, and/or has population frequency not consistent with disease.

PreventionGenetics, part of Exact Sciences
Classification: Likely benign for MYH6-related condition. Last evaluated: 2019-09-17. Review status: no assertion criteria provided. Collection method: clinical testing. Allele origin: germline. Not counted in ClinVar's aggregate classification.
Comment: This variant is classified as likely benign based on ACMG/AMP sequence variant interpretation guidelines (Richards et al. 2015 PMID: 25741868, with internal and published modifications).